The following is an entry in ClinVar:

ClinVar aggregate classification (germline): Uncertain significance (1 of 4 stars; one submission).

Allele frequency attached by ClinVar (database versions not stated): TOPMed below 0.00001; ExAC 0.00001; gnomAD 0.00001.
gnomAD v4.1: 17 of 1,613,658 alleles (0.0011%); highest among the groups gnomAD compares: Non-Finnish European, 0.0014%; no homozygotes.

Submission:

Labcorp Genetics (formerly Invitae), Labcorp
Classification: Uncertain significance. Last evaluated: 2022-08-16. Review status: criteria provided, single submitter. Criteria: Invitae Variant Classification Sherloc (09022015). Collection method: clinical testing. Allele origin: germline.
Comment: Algorithms developed to predict the effect of sequence changes on RNA splicing suggest that this variant may create or strengthen a splice site. Algorithms developed to predict the effect of missense changes on protein structure and function are either unavailable or do not agree on the potential impact of this missense change (SIFT: "Deleterious"; PolyPhen-2: "Probably Damaging"; Align-GVGD: "Class C0"). This variant has not been reported in the literature in individuals affected with IL2RB-related conditions. This variant is present in population databases (rs766876638, gnomAD 0.002%). This sequence change replaces proline, which is neutral and non-polar, with alanine, which is neutral and non-polar, at codon 400 of the IL2RB protein (p.Pro400Ala). In summary, the available evidence is currently insufficient to determine the role of this variant in disease. Therefore, it has been classified as a Variant of Uncertain Significance.

NM_000878.5(IL2RB):c.1198C>G (p.Pro400Ala)

Gene: IL2RB (interleukin 2 receptor subunit beta; minus strand). Cytogenetic location: 22q12.3.
Variant type: single nucleotide variant.
Coding change: c.1198C>G on transcript NM_000878.5 (MANE Select); coding-DNA position 1198, C replaced by G.
Protein change: p.Pro400Ala; replaces proline 400 with alanine.
Molecular consequence: missense variant.
Genome position (GRCh38, 1-based): chr22:37,128,554, G>C on the plus strand (C>G on the coding strand, the complement: IL2RB is on the minus strand). VCF-style: chr22-37128554-G-C. GRCh37 (hg19) VCF-style: chr22-37524594-G-C.
Other names: c.1198C>G, p.Pro400Ala (NM_001346222.1, NM_001346223.2); short protein forms P400A.
Identifiers: ClinVar variation 2060968 (VCV002060968.3), dbSNP rs766876638, ClinGen allele CA10216400.